The following is an entry in ClinVar:

NM_006005.3(WFS1):c.467C>A (p.Thr156Lys)

Gene: WFS1 (wolframin ER transmembrane glycoprotein; plus strand). Cytogenetic location: 4p16.1.
Variant type: single nucleotide variant.
Coding change: c.467C>A on transcript NM_006005.3 (MANE Select); coding-DNA position 467, C replaced by A.
Protein change: p.Thr156Lys; replaces threonine 156 with lysine.
Molecular consequence: missense variant.
Genome position (GRCh38, 1-based): chr4:6,291,203, C>A. VCF-style: chr4-6291203-C-A. GRCh37 (hg19) VCF-style: chr4-6292930-C-A.
Other names: c.467C>A, p.Thr156Lys (NM_001145853.1); short protein forms T156K.
Identifiers: ClinVar variation 4753298 (VCV004753298.1).

ClinVar aggregate classification (germline): Uncertain significance (1 of 4 stars; one submission).

Submission:

Labcorp Genetics (formerly Invitae), Labcorp
Classification: Uncertain significance. Last evaluated: 2025-07-22. Review status: criteria provided, single submitter. Criteria: Invitae Variant Classification Sherloc (09022015). Collection method: clinical testing. Allele origin: germline.
Comment: This sequence change replaces threonine, which is neutral and polar, with lysine, which is basic and polar, at codon 156 of the WFS1 protein (p.Thr156Lys). This variant is not present in population databases (gnomAD no frequency). This variant has not been reported in the literature in individuals affected with WFS1-related conditions. Invitae Evidence Modeling of protein sequence and biophysical properties (such as structural, functional, and spatial information, amino acid conservation, physicochemical variation, residue mobility, and thermodynamic stability) has been performed for this missense variant. However, the output from this modeling did not meet the statistical confidence thresholds required to predict the impact of this variant on WFS1 protein function. In summary, the available evidence is currently insufficient to determine the role of this variant in disease. Therefore, it has been classified as a Variant of Uncertain Significance.